The following is an entry in ClinVar:

NM_001009944.3(PKD1):c.8161+2_8161+3delinsGT

Gene: PKD1 (polycystin 1, transient receptor potential channel interacting; minus strand). Cytogenetic location: 16p13.3.
Variant type: Indel.
Coding change: c.8161+2_8161+3delinsGT on transcript NM_001009944.3 (MANE Select); the canonical splice donor site of the intron after coding-DNA position 8161 through 3 bases into the intron after coding-DNA position 8161, TG replaced by GT.
Molecular consequence: splice donor variant.
Genome position (GRCh38, 1-based): chr16:2,104,495-2,104,496, CA replaced by AC on the plus strand (TG replaced by GT on the coding strand, the reverse complement: PKD1 is on the minus strand). VCF-style: chr16-2104495-CA-AC. GRCh37 (hg19) VCF-style: chr16-2154496-CA-AC.
Other names: c.8161+2_8161+3delinsGT (NM_001009944.2, NM_000296.4).
Identifiers: ClinVar variation 3579205 (VCV003579205.3).

ClinVar aggregate classification (germline): Likely pathogenic. Review status: criteria provided, multiple submitters, no conflicts (2 of 4 stars). 2 submissions from 2 submitters: Likely pathogenic (2). Last evaluated 2024-01-20.

Conditions:
Polycystic kidney disease, adult type (PKD1). Also called: Polycystic Kidney Disease 1, Autosomal Dominant; Polycystic kidney disease 1; Polycystic kidney disease 1, severe; POLYCYSTIC KIDNEY DISEASE 1 WITH OR WITHOUT POLYCYSTIC LIVER DISEASE; POLYCYSTIC KIDNEY DISEASE, ADULT, TYPE I; Polycystic Kidney, Autosomal Dominant. Identifiers: MedGen C3149841, MONDO:0008263, OMIM 173900.

Submissions (2):

Fulgent Genetics
Classification: Likely pathogenic for Polycystic kidney disease, adult type. Last evaluated: 2024-01-20. Review status: criteria provided, single submitter. Criteria: ACMG Guidelines, 2015. Collection method: clinical testing. Allele origin: germline.

Genetic Services Laboratory, University of Chicago
Classification: Likely pathogenic. Last evaluated: 2023-09-12. Review status: criteria provided, single submitter. Criteria: ACMG Guidelines, 2015. Collection method: clinical testing. Allele origin: germline. Affected: yes.
Comment: DNA sequence analysis of the PKD1 gene demonstrated a deletion and insertion of 2 base pairs in the canonical splice donor site in intron 22, c.8161+2_8161+3delinsGT. This particular sequence change does not appear to have been previously described in individuals with PKD1-related disorders, but a sequence change affecting the same splice donor site has been reported in an individual with ADPKD (PMID: 23985799).This sequence change has not been described in the population databases such as ExAC and gnomAD. Based on in-silico splice prediction programs, this sequence change likely affects normal splicing of the PKD1 gene, which would result in an abnormal protein. These collective evidences indicate that this sequence change is likely pathogenic, however, functional studies have not been performed to prove this conclusively.